The following is an entry in ClinVar:

ClinVar aggregate classification (germline): Uncertain significance (1 of 4 stars; one submission).

Submission:

Labcorp Genetics (formerly Invitae), Labcorp
Classification: Uncertain significance. Last evaluated: 2023-03-27. Review status: criteria provided, single submitter. Criteria: Invitae Variant Classification Sherloc (09022015). Collection method: clinical testing. Allele origin: germline.
Comment: In summary, the available evidence is currently insufficient to determine the role of this variant in disease. Therefore, it has been classified as a Variant of Uncertain Significance. An algorithm developed to predict the effect of missense changes on protein structure and function (PolyPhen-2) suggests that this variant is likely to be tolerated. This variant has not been reported in the literature in individuals affected with MSH3-related conditions. This variant is not present in population databases (gnomAD no frequency). This sequence change replaces glycine, which is neutral and non-polar, with valine, which is neutral and non-polar, at codon 609 of the MSH3 protein (p.Gly609Val).

NM_002439.5(MSH3):c.1826G>T (p.Gly609Val)

Gene: MSH3 (mutS homolog 3; plus strand). Cytogenetic location: 5q14.1.
Variant type: single nucleotide variant.
Coding change: c.1826G>T on transcript NM_002439.5 (MANE Select); coding-DNA position 1826, G replaced by T.
Protein change: p.Gly609Val; replaces glycine 609 with valine.
Molecular consequence: missense variant.
Genome position (GRCh38, 1-based): chr5:80,761,608, G>T. VCF-style: chr5-80761608-G-T. GRCh37 (hg19) VCF-style: chr5-80057427-G-T.
Other names: short protein forms G609V.
Identifiers: ClinVar variation 2847301 (VCV002847301.3), dbSNP rs1744035196, ClinGen allele CA360276595.